The following is an entry in ClinVar:

NM_000051.4(ATM):c.3165T>C (p.Tyr1055=)

Gene: ATM (ATM serine/threonine kinase; plus strand). Cytogenetic location: 11q22.3.
Variant type: single nucleotide variant.
Coding change: c.3165T>C on transcript NM_000051.4 (MANE Select); coding-DNA position 3165, T replaced by C.
Protein change: p.Tyr1055=; no amino-acid change (tyrosine 1055 retained).
Molecular consequence: synonymous variant.
Genome position (GRCh38, 1-based): chr11:108,272,733, T>C. VCF-style: chr11-108272733-T-C. GRCh37 (hg19) VCF-style: chr11-108143460-T-C.
Other names: c.3165T>C, p.Tyr1055= (NM_001351834.2).
Identifiers: ClinVar variation 925413 (VCV000925413.13), dbSNP rs768038217, ClinGen allele CA6265218.

ClinVar aggregate classification (germline): Benign/Likely benign. Review status: criteria provided, multiple submitters, no conflicts (2 of 4 stars). 4 submissions from 4 submitters: Benign (1); Likely benign (3). Last evaluated 2025-10-22.

Conditions:
Hereditary cancer-predisposing syndrome. Also called: Hereditary Cancer Syndrome; Hereditary neoplastic syndrome; Neoplastic Syndromes, Hereditary; Tumor predisposition. Identifiers: Orphanet 140162, MedGen C0027672, MeSH D009386, MONDO:0015356.
Familial cancer of breast. Also called: hereditary breast carcinoma; BREAST CANCER, FAMILIAL; Hereditary breast cancer. Identifiers: Orphanet 227535, MedGen C0346153, MONDO:0016419, OMIM 114480. Disease mechanism: loss of function.
Ataxia-telangiectasia syndrome (AT). Also called: Ataxia-telangiectasia, complementation group E; LOUIS-BAR SYNDROME; Cerebello-oculocutaneous telangiectasia; Immunodeficiency with ataxia telangiectasia; Ataxia-telangiectasia, complementation group D; AT, COMPLEMENTATION GROUP C. Identifiers: Orphanet 100, MedGen C0004135, MONDO:0008840, OMIM 208900.

Allele frequency attached by ClinVar (database versions not stated): gnomAD exomes below 0.00001 and 0.00001; ExAC 0.00001.
gnomAD v4.1: 5 of 1,614,052 alleles (0.00031%); highest among the groups gnomAD compares: South Asian, 0.0033%; no homozygotes.

Submissions (4):

Ambry Genetics
Classification: Likely benign for Hereditary cancer-predisposing syndrome. Last evaluated: 2025-10-22. Review status: criteria provided, single submitter. Criteria: Ambry Variant Classification Scheme 2023. Collection method: clinical testing. Allele origin: germline.

Labcorp Genetics (formerly Invitae), Labcorp
Classification: Likely benign for Ataxia-telangiectasia syndrome. Last evaluated: 2024-11-17. Review status: criteria provided, single submitter. Criteria: Invitae Variant Classification Sherloc (09022015). Collection method: clinical testing. Allele origin: germline.

Myriad Genetics, Inc.
Classification: Benign for Familial cancer of breast. Last evaluated: 2024-05-13. Review status: criteria provided, single submitter. Criteria: Myriad Autosomal Dominant, Autosomal Recessive and X-Linked Classification Criteria (2023). Collection method: clinical testing. Allele origin: unknown.
Comment: This variant is considered benign. This variant is a silent/synonymous amino acid change and it is not expected to impact splicing.

Color Diagnostics, LLC DBA Color Health
Classification: Likely benign for Hereditary cancer-predisposing syndrome. Last evaluated: 2019-02-08. Review status: criteria provided, single submitter. Criteria: ACMG Guidelines, 2015. Collection method: clinical testing. Allele origin: germline.